The following is an entry in ClinVar:

NM_007255.3(B4GALT7):c.634C>T (p.Arg212Trp)

Gene: B4GALT7 (beta-1,4-galactosyltransferase 7; plus strand). Cytogenetic location: 5q35.3.
Variant type: single nucleotide variant.
Coding change: c.634C>T on transcript NM_007255.3 (MANE Select); coding-DNA position 634, C replaced by T.
Protein change: p.Arg212Trp; replaces arginine 212 with tryptophan.
Molecular consequence: missense variant.
Genome position (GRCh38, 1-based): chr5:177,607,522, C>T. VCF-style: chr5-177607522-C-T. GRCh37 (hg19) VCF-style: chr5-177034523-C-T.
Other names: short protein forms R212W.
Identifiers: ClinVar variation 1176501 (VCV001176501.46), dbSNP rs41284943, ClinGen allele CA3586552.

ClinVar aggregate classification (germline): Uncertain significance. Review status: criteria provided, multiple submitters, no conflicts (2 of 4 stars). 4 submissions from 4 submitters: Uncertain significance (4). Last evaluated 2025-12-11.

Conditions:
Spondylodysplastic Ehlers-Danlos syndrome. Identifiers: Orphanet 536471, Orphanet 75496, MedGen C5680154, MONDO:0007526.

Allele frequency attached by ClinVar (database versions not stated): ExAC 0.00018; gnomAD exomes 0.00020; ESP Exome Variant Server 0.00031; gnomAD 0.00031; TOPMed 0.00031; 1000 Genomes Project 0.00040; 1000 Genomes Project 30x 0.00062.
gnomAD v4.1: 620 of 1,611,230 alleles (0.038%); highest among the groups gnomAD compares: African/African-American, 0.051%; no homozygotes.

Submissions (4):

Women's Health and Genetics/Laboratory Corporation of America, LabCorp
Classification: Uncertain significance. Last evaluated: 2025-12-11. Review status: criteria provided, single submitter. Criteria: LabCorp Variant Classification Summary - May 2015. Collection method: clinical testing. Allele origin: germline.
Comment: Variant summary: B4GALT7 c.634C>T (p.Arg212Trp) results in a non-conservative amino acid change in the encoded protein sequence. Algorithms developed to predict the effect of missense changes on protein structure and function are either unavailable or do not agree on the potential impact of this missense change. The variant allele was found at a frequency of 0.0002 in 248412 control chromosomes. This frequency is not significantly higher than estimated for disease-causing variants in B4GALT7, allowing no conclusion about variant significance. To our knowledge, no occurrence of c.634C>T in individuals affected with B4GALT7-related conditions and no experimental evidence demonstrating its impact on protein function have been reported. ClinVar contains an entry for this variant (Variation ID: 1176501). Based on the evidence outlined above, the variant was classified as uncertain significance.

GeneDx
Classification: Uncertain significance. Last evaluated: 2025-06-01. Review status: criteria provided, single submitter. Criteria: GeneDx Variant Classification Process June 2021. Collection method: clinical testing. Allele origin: germline. Affected: yes.
Comment: In silico analysis supports that this missense variant has a deleterious effect on protein structure/function; Has not been previously published as pathogenic or benign to our knowledge

Labcorp Genetics (formerly Invitae), Labcorp
Classification: Uncertain significance for Spondylodysplastic Ehlers-Danlos syndrome. Last evaluated: 2022-10-13. Review status: criteria provided, single submitter. Criteria: Invitae Variant Classification Sherloc (09022015). Collection method: clinical testing. Allele origin: germline.
Comment: This sequence change replaces arginine, which is basic and polar, with tryptophan, which is neutral and slightly polar, at codon 212 of the B4GALT7 protein (p.Arg212Trp). This variant is present in population databases (rs41284943, gnomAD 0.06%). This variant has not been reported in the literature in individuals affected with B4GALT7-related conditions. ClinVar contains an entry for this variant (Variation ID: 1176501). Advanced modeling of protein sequence and biophysical properties (such as structural, functional, and spatial information, amino acid conservation, physicochemical variation, residue mobility, and thermodynamic stability) performed at Invitae indicates that this missense variant is not expected to disrupt B4GALT7 protein function. In summary, the available evidence is currently insufficient to determine the role of this variant in disease. Therefore, it has been classified as a Variant of Uncertain Significance.

CeGaT Center for Human Genetics Tuebingen
Classification: Uncertain significance. Last evaluated: 2021-06-01. Review status: criteria provided, single submitter. Criteria: CeGaT Center For Human Genetics Tuebingen Variant Classification Criteria Version 2. Collection method: clinical testing. Allele origin: germline. Affected: yes. Observed: 1 variant allele.